The following is an entry in ClinVar:

ClinVar aggregate classification (germline): Uncertain significance (1 of 4 stars; one submission).

Conditions:
Neuromuscular disease caused by qualitative or quantitative defects of dysferlin. Also called: Qualitative or quantitative defects of dysferlin; Dysferlinopathy. Identifiers: Orphanet 207073, MedGen C2931687, MONDO:0016145.

Submission:

Labcorp Genetics (formerly Invitae), Labcorp
Classification: Uncertain significance for Neuromuscular disease caused by qualitative or quantitative defects of dysferlin. Last evaluated: 2021-03-17. Review status: criteria provided, single submitter. Criteria: Invitae Variant Classification Sherloc (09022015). Collection method: clinical testing. Allele origin: germline.
Comment: This sequence change replaces aspartic acid with asparagine at codon 1168 of the DYSF protein (p.Asp1168Asn). The aspartic acid residue is moderately conserved and there is a small physicochemical difference between aspartic acid and asparagine. This variant is not present in population databases (ExAC no frequency). This variant has not been reported in the literature in individuals with DYSF-related conditions. Advanced modeling of protein sequence and biophysical properties (such as structural, functional, and spatial information, amino acid conservation, physicochemical variation, residue mobility, and thermodynamic stability) performed at Invitae indicates that this missense variant is expected to disrupt DYSF protein function. In summary, the available evidence is currently insufficient to determine the role of this variant in disease. Therefore, it has been classified as a Variant of Uncertain Significance.

NM_001130987.2(DYSF):c.3556G>A (p.Asp1186Asn)

Gene: DYSF (dysferlin; plus strand). Cytogenetic location: 2p13.2.
Variant type: single nucleotide variant.
Coding change: c.3556G>A on transcript NM_001130987.2 (MANE Select); coding-DNA position 3556, G replaced by A.
Protein change: p.Asp1186Asn; replaces aspartic acid 1186 with asparagine.
Molecular consequence: missense variant.
Genome position (GRCh38, 1-based): chr2:71,590,270, G>A. VCF-style: chr2-71590270-G-A. GRCh37 (hg19) VCF-style: chr2-71817400-G-A.
Other names: c.3505G>A, p.Asp1169Asn (NM_001130455.2, NM_001130983.2); c.3460G>A, p.Asp1154Asn (NM_001130976.2, NM_001130977.2); c.3502G>A, p.Asp1168Asn (NM_001130978.2, NM_003494.4); c.3595G>A, p.Asp1199Asn (NM_001130979.2); c.3553G>A, p.Asp1185Asn (NM_001130980.2, NM_001130981.2); c.3598G>A, p.Asp1200Asn (NM_001130982.2); c.3463G>A, p.Asp1155Asn (NM_001130984.2, NM_001130986.2); c.3556G>A, p.Asp1186Asn (NM_001130985.2); short protein forms D1154N, D1168N, D1169N, D1186N, D1200N, D1185N, D1155N, D1199N.
Identifiers: ClinVar variation 1936457 (VCV001936457.2), dbSNP rs2545996437, ClinGen allele CA347220843.